The following is an entry in ClinVar:

NM_005120.3(MED12):c.6466C>T (p.Arg2156Trp)

Gene: MED12 (mediator complex subunit 12; plus strand). Cytogenetic location: Xq13.1.
Variant type: single nucleotide variant.
Coding change: c.6466C>T on transcript NM_005120.3 (MANE Select); coding-DNA position 6466, C replaced by T.
Protein change: p.Arg2156Trp; replaces arginine 2156 with tryptophan.
Molecular consequence: missense variant.
Genome position (GRCh38, 1-based): chrX:71,141,940, C>T. VCF-style: chrX-71141940-C-T. GRCh37 (hg19) VCF-style: chrX-70361790-C-T.
Other names: short protein forms R2156W.
Identifiers: ClinVar variation 3361491 (VCV003361491.3).

ClinVar aggregate classification (germline): Uncertain significance. Review status: criteria provided, multiple submitters, no conflicts (2 of 4 stars). 2 submissions from 2 submitters: Uncertain significance (2). Last evaluated 2026-04-12.

Conditions:
Familial thoracic aortic aneurysm and aortic dissection (TAAD). Also called: Thoracic aortic aneurysms and dissections. Identifiers: Orphanet 91387, MedGen C4707243, MONDO:0019625.

gnomAD v4.1: 1 of 1,211,569 alleles (0.000083%); highest among the groups gnomAD compares: Non-Finnish European, 0.00011%; no homozygotes.

Submissions (2):

Ambry Genetics
Classification: Uncertain significance for Familial thoracic aortic aneurysm and aortic dissection. Last evaluated: 2026-04-12. Review status: criteria provided, single submitter. Criteria: Ambry Variant Classification Scheme 2023. Collection method: clinical testing. Allele origin: germline.
Comment: The p.R2156W variant (also known as c.6466C>T), located in coding exon 44 of the MED12 gene, results from a C to T substitution at nucleotide position 6466. The arginine at codon 2156 is replaced by tryptophan, an amino acid with dissimilar properties. This amino acid position is conserved. In addition, this alteration is predicted to be tolerated by in silico analysis. Based on the available evidence, the clinical significance of this variant remains unclear.

GeneDx
Classification: Uncertain significance. Last evaluated: 2024-12-06. Review status: criteria provided, single submitter. Criteria: GeneDx Variant Classification Process June 2021. Collection method: clinical testing. Allele origin: germline.
Comment: Not observed at significant frequency in large population cohorts (gnomAD); In silico analysis indicates that this missense variant does not alter protein structure/function; Has not been previously published as pathogenic or benign to our knowledge